The following is an entry in ClinVar:

NM_144687.4(NLRP12):c.2487G>C (p.Leu829=)

Gene: NLRP12 (NLR family pyrin domain containing 12; minus strand). Cytogenetic location: 19q13.42.
Variant type: single nucleotide variant.
Coding change: c.2487G>C on transcript NM_144687.4 (MANE Select); coding-DNA position 2487, G replaced by C.
Protein change: p.Leu829=; no amino-acid change (leucine 829 retained).
Molecular consequence: synonymous variant.
Genome position (GRCh38, 1-based): chr19:53,804,050, C>G on the plus strand (G>C on the coding strand, the complement: NLRP12 is on the minus strand). VCF-style: chr19-53804050-C-G. GRCh37 (hg19) VCF-style: chr19-54307304-C-G.
Other names: c.2490G>C, p.Leu830= (NM_001277126.2); c.2487G>C, p.Leu829= (NM_001277129.1).
Identifiers: ClinVar variation 1694413 (VCV001694413.10), dbSNP rs143499267, ClinGen allele CA9639056.
Genomic context (GRCh38, chr19:53,804,050, plus strand): 5'-CTGGCATAGTAACCTCAGGCCCAAATCCTCCAGTGCATTTCCTGTCAGGTCCAACTCAAC[C>G]AGATGTGGGTTGGTGCCGAGCACAGAAGCCATCTCCTGACAAGCCCCGGACTCCAGCTGA-3'
Protein context (NP_653288.1, residues 819-839): MASVLGTNPH[Leu829=]VELDLTGNAL

ClinVar aggregate classification (germline): Conflicting classifications of pathogenicity. Review status: criteria provided, conflicting classifications (1 of 4 stars). 4 submissions from 4 submitters: Uncertain significance (1); Likely benign (3). Last evaluated 2026-08-01.

Conditions:
Autoinflammatory syndrome. Identifiers: Orphanet 93665, MedGen C3890737, MONDO:0019751.
Familial cold autoinflammatory syndrome 2 (FCAS2). Identifiers: Orphanet 247868, MedGen C2673198, MONDO:0012724, OMIM 611762.

gnomAD v4.1: 21 of 1,613,992 alleles (0.0013%); highest among the groups gnomAD compares: South Asian, 0.0088%; no homozygotes.

Submissions (4):

CeGaT Center for Human Genetics Tuebingen
Classification: Likely benign. Last evaluated: 2026-08-01. Review status: criteria provided, single submitter. Criteria: CeGaT Center For Human Genetics Tuebingen Variant Classification Criteria Version 2. Collection method: clinical testing. Allele origin: germline. Affected: yes. Observed: 1 variant allele.
Comment: NLRP12: BP4, BP7, BS2

Labcorp Genetics (formerly Invitae), Labcorp
Classification: Likely benign for Familial cold autoinflammatory syndrome 2. Last evaluated: 2025-11-11. Review status: criteria provided, single submitter. Criteria: Invitae Variant Classification Sherloc (09022015). Collection method: clinical testing. Allele origin: germline.

Blueprint Genetics
Classification: Likely benign. Last evaluated: 2024-11-01. Review status: criteria provided, single submitter. Criteria: ACMG Guidelines, 2015. Collection method: clinical testing. Allele origin: germline.

Genome Diagnostics Laboratory, The Hospital for Sick Children
Classification: Uncertain significance for Autoinflammatory syndrome. Last evaluated: 2020-01-01. Review status: criteria provided, single submitter. Criteria: ACMG Guidelines, 2015. Collection method: clinical testing. Allele origin: germline. Affected: yes.